The following is an entry in ClinVar:

ClinVar aggregate classification (germline): Conflicting classifications of pathogenicity. Review status: criteria provided, conflicting classifications (1 of 4 stars). 6 submissions from 6 submitters: Uncertain significance (1); Likely benign (3). 2 of the submissions do not count toward it. Last evaluated 2026-07-01.

Conditions:
COL6A2-related disorder.
Bethlem myopathy 1A. Also called: MYOPATHY, BENIGN CONGENITAL, WITH CONTRACTURES; Bethlem myopathy 1; Bethlem Muscular Dystrophy. Identifiers: Orphanet 610, MedGen CN029274, MONDO:0024530, OMIM 158810.

Allele frequency attached by ClinVar (database versions not stated): ExAC 0.00007; gnomAD exomes 0.00011; gnomAD 0.00013; ESP Exome Variant Server 0.00015; 1000 Genomes Project 30x 0.00016; 1000 Genomes Project 0.00020; TOPMed 0.00025.
gnomAD v4.1: 196 of 1,612,684 alleles (0.012%); highest among the groups gnomAD compares: Admixed American, 0.045%; no homozygotes.

Submissions (6):

CeGaT Center for Human Genetics Tuebingen
Classification: Likely benign. Last evaluated: 2026-07-01. Review status: criteria provided, single submitter. Criteria: CeGaT Center For Human Genetics Tuebingen Variant Classification Criteria Version 2. Collection method: clinical testing. Allele origin: germline. Affected: yes. Observed: 1 variant allele.
Comment: COL6A2: BP4, BP7

PreventionGenetics, part of Exact Sciences
Classification: Likely benign for COL6A2-related condition. Last evaluated: 2026-06-12. Review status: criteria provided, single submitter. Criteria: ACMG Guidelines, 2015. Collection method: clinical testing. Allele origin: germline.
Comment: This variant is classified as likely benign based on ACMG/AMP sequence variant interpretation guidelines (Richards et al. 2015 PMID: 25741868, with internal and published modifications).

Labcorp Genetics (formerly Invitae), Labcorp
Classification: Likely benign for Bethlem myopathy 1A. Last evaluated: 2026-01-06. Review status: criteria provided, single submitter. Criteria: Invitae Variant Classification Sherloc (09022015). Collection method: clinical testing. Allele origin: germline.

Eurofins Ntd Llc (ga)
Classification: Uncertain significance. Last evaluated: 2017-09-01. Review status: criteria provided, single submitter. Criteria: EGL Classification Definitions 2015. Collection method: clinical testing. Allele origin: germline. Observed: 2 variant alleles, 2 heterozygotes.

Clinical Genetics DNA and cytogenetics Diagnostics Lab, Erasmus MC, Erasmus Medical Center
Classification: Likely benign. Review status: no assertion criteria provided. Collection method: clinical testing. Allele origin: germline. Affected: yes. Study: VKGL Data-share Consensus. Not counted in ClinVar's aggregate classification.

Clinical Genetics, Academic Medical Center
Classification: Likely benign. Review status: no assertion criteria provided. Collection method: clinical testing. Allele origin: germline. Affected: yes. Study: VKGL Data-share Consensus. Not counted in ClinVar's aggregate classification.

NM_001849.4(COL6A2):c.1836C>T (p.Gly612=)

Gene: COL6A2 (collagen type VI alpha 2 chain; plus strand). Cytogenetic location: 21q22.3.
Variant type: single nucleotide variant.
Coding change: c.1836C>T on transcript NM_001849.4 (MANE Select); coding-DNA position 1836, C replaced by T.
Protein change: p.Gly612=; no amino-acid change (glycine 612 retained).
Molecular consequence: synonymous variant.
Genome position (GRCh38, 1-based): chr21:46,125,484, C>T. VCF-style: chr21-46125484-C-T. GRCh37 (hg19) VCF-style: chr21-47545398-C-T.
Other names: c.1836C>T, p.Gly612= (NM_058174.3, NM_058175.3).
Identifiers: ClinVar variation 476459 (VCV000476459.19), dbSNP rs141257132, ClinGen allele CA10072305.
Genomic context (GRCh38, chr21:46,125,484, plus strand): 5'-GGTCTCCCCGGTACCCCCCGATGACCCTGCCACCCCCCCAGACTGTGAGAAGCGCTGTGG[C>T]GCCCTGGACGTGGTCTTCGTCATCGACAGCTCCGAGAGCATTGGGTACACCAACTTCACA-3'
Protein context (NP_001840.3, residues 602-622): CGCCDCEKRC[Gly612=]ALDVVFVIDS